The following is an entry in ClinVar:

ClinVar aggregate classification (germline): Uncertain significance. Review status: criteria provided, multiple submitters, no conflicts (2 of 4 stars). 2 submissions from 2 submitters: Uncertain significance (2). Last evaluated 2024-06-13.

Submissions (2):

GeneDx
Classification: Uncertain significance. Last evaluated: 2024-06-13. Review status: criteria provided, single submitter. Criteria: GeneDx Variant Classification Process June 2021. Collection method: clinical testing. Allele origin: germline. Affected: yes.
Comment: Not observed at significant frequency in large population cohorts (gnomAD); In silico analysis indicates that this missense variant does not alter protein structure/function; Has not been previously published as pathogenic or benign to our knowledge

Labcorp Genetics (formerly Invitae), Labcorp
Classification: Uncertain significance. Last evaluated: 2024-05-22. Review status: criteria provided, single submitter. Criteria: Invitae Variant Classification Sherloc (09022015). Collection method: clinical testing. Allele origin: germline.
Comment: This sequence change replaces serine, which is neutral and polar, with leucine, which is neutral and non-polar, at codon 19 of the GATA5 protein (p.Ser19Leu). This variant is not present in population databases (gnomAD no frequency). This variant has not been reported in the literature in individuals affected with GATA5-related conditions. An algorithm developed to predict the effect of missense changes on protein structure and function (PolyPhen-2) suggests that this variant is likely to be tolerated. In summary, the available evidence is currently insufficient to determine the role of this variant in disease. Therefore, it has been classified as a Variant of Uncertain Significance.

NM_080473.5(GATA5):c.56C>T (p.Ser19Leu)

Gene: GATA5 (GATA binding protein 5; minus strand). Cytogenetic location: 20q13.33.
Variant type: single nucleotide variant.
Coding change: c.56C>T on transcript NM_080473.5 (MANE Select); coding-DNA position 56, C replaced by T.
Protein change: p.Ser19Leu; replaces serine 19 with leucine.
Molecular consequence: missense variant.
Genome position (GRCh38, 1-based): chr20:62,475,466, G>A on the plus strand (C>T on the coding strand, the complement: GATA5 is on the minus strand). VCF-style: chr20-62475466-G-A. GRCh37 (hg19) VCF-style: chr20-61050522-G-A.
Other names: short protein forms S19L.
Identifiers: ClinVar variation 3390461 (VCV003390461.3).